The following is an entry in ClinVar:

ClinVar aggregate classification (germline): Uncertain significance (1 of 4 stars; one submission).

Conditions:
Progressive sclerosing poliodystrophy (MTDPS4A). Also called: Mitochondrial DNA depletion syndrome 4A (Alpers type); ALPERS PROGRESSIVE INFANTILE POLIODYSTROPHY; NEURONAL DEGENERATION OF CHILDHOOD WITH LIVER DISEASE, PROGRESSIVE; Alpers Syndrome; ALPERS DIFFUSE DEGENERATION OF CEREBRAL GRAY MATTER WITH HEPATIC CIRRHOSIS; Alpers-Huttenlocher Syndrome. Identifiers: Orphanet 726, MedGen C0205710, MONDO:0008758, OMIM 203700.

Allele frequency attached by ClinVar (database versions not stated): ExAC 0.00001.

Submission:

Labcorp Genetics (formerly Invitae), Labcorp
Classification: Uncertain significance for Progressive sclerosing poliodystrophy. Last evaluated: 2024-02-16. Review status: criteria provided, single submitter. Criteria: Invitae Variant Classification Sherloc (09022015). Collection method: clinical testing. Allele origin: germline.
Comment: This sequence change falls in intron 6 of the POLG gene. It does not directly change the encoded amino acid sequence of the POLG protein. It affects a nucleotide within the consensus splice site. The frequency data for this variant in the population databases is considered unreliable, as metrics indicate poor data quality at this position in the gnomAD database. This variant has not been reported in the literature in individuals affected with POLG-related conditions. Variants that disrupt the consensus splice site are a relatively common cause of aberrant splicing (PMID: 17576681, 9536098). Algorithms developed to predict the effect of sequence changes on RNA splicing suggest that this variant may disrupt the consensus splice site. In summary, the available evidence is currently insufficient to determine the role of this variant in disease. Therefore, it has been classified as a Variant of Uncertain Significance.

Literature cited by the submitters: PubMed 17576681; PubMed 9536098.

NM_002693.3(POLG):c.1250+5G>A

Gene: POLG (DNA polymerase gamma, catalytic subunit; minus strand). Cytogenetic location: 15q26.1.
Variant type: single nucleotide variant.
Coding change: c.1250+5G>A on transcript NM_002693.3 (MANE Select); 5 bases into the intron after coding-DNA position 1250, G replaced by A.
Molecular consequence: intron variant.
Genome position (GRCh38, 1-based): chr15:89,328,451, C>T on the plus strand (G>A on the coding strand, the complement: POLG is on the minus strand). VCF-style: chr15-89328451-C-T. GRCh37 (hg19) VCF-style: chr15-89871682-C-T.
Other names: c.1250+5G>A (NM_001126131.2).
Identifiers: ClinVar variation 2873388 (VCV002873388.3), dbSNP rs751221993, ClinGen allele CA7724911.